The following is an entry in ClinVar:

ClinVar aggregate classification (germline): Uncertain significance (1 of 4 stars; one submission).

Conditions:
Hereditary cancer-predisposing syndrome. Also called: Tumor predisposition; Hereditary Cancer Syndrome; Neoplastic Syndromes, Hereditary; Hereditary neoplastic syndrome. Identifiers: Orphanet 140162, MedGen C0027672, MeSH D009386, MONDO:0015356.

Submission:

Ambry Genetics
Classification: Uncertain significance for Hereditary cancer-predisposing syndrome. Last evaluated: 2021-12-22. Review status: criteria provided, single submitter. Criteria: Ambry Variant Classification Scheme 2023. Collection method: clinical testing. Allele origin: germline.
Comment: The p.S954Y variant (also known as c.2861C>A), located in coding exon 21 of the KIT gene, results from a C to A substitution at nucleotide position 2861. The serine at codon 954 is replaced by tyrosine, an amino acid with dissimilar properties. This amino acid position is conserved. In addition, this alteration is predicted to be tolerated by in silico analysis. Since supporting evidence is limited at this time, the clinical significance of this alteration remains unclear.

NM_000222.3(KIT):c.2861C>A (p.Ser954Tyr)

Gene: KIT (KIT proto-oncogene, receptor tyrosine kinase; plus strand). Cytogenetic location: 4q12.
Variant type: single nucleotide variant.
Coding change: c.2861C>A on transcript NM_000222.3 (MANE Select); coding-DNA position 2861, C replaced by A.
Protein change: p.Ser954Tyr; replaces serine 954 with tyrosine.
Molecular consequence: missense variant.
Genome position (GRCh38, 1-based): chr4:54,738,487, C>A. VCF-style: chr4-54738487-C-A. GRCh37 (hg19) VCF-style: chr4-55604653-C-A.
Other names: c.2849C>A, p.Ser950Tyr (NM_001093772.2, NM_001385292.1); c.2864C>A, p.Ser955Tyr (NM_001385284.1); c.2858C>A, p.Ser953Tyr (NM_001385285.1); c.2846C>A, p.Ser949Tyr (NM_001385286.1); c.2852C>A, p.Ser951Tyr (NM_001385288.1); c.2861C>A, p.Ser954Tyr (NM_001385290.1); short protein forms S950Y, S951Y, S954Y, S953Y, S949Y, S955Y.
Identifiers: ClinVar variation 1796962 (VCV001796962.2), dbSNP rs2109818793, ClinGen allele CA356916206.